The following is an entry in ClinVar:

ClinVar aggregate classification (germline): Uncertain significance (1 of 4 stars; one submission).

Conditions:
Familial X-linked hypophosphatemic vitamin D refractory rickets (XLHRD). Also called: X-Linked Hypophosphatemia; Hypophosphatemic Rickets, X-Linked Dominant; HYPOPHOSPHATEMIC VITAMIN D-RESISTANT RICKETS; Hypophosphatemia, vitamin D-resistant rickets; Vitamin D-resistant rickets, X-linked. Identifiers: Orphanet 89936, MedGen C0733682, MONDO:0010619, OMIM 307800.

Submission:

Neuberg Centre For Genomic Medicine, NCGM
Classification: Uncertain significance for Familial X-linked hypophosphatemic vitamin D refractory rickets. Last evaluated: 2023-05-20. Review status: criteria provided, single submitter. Criteria: ACMG Guidelines, 2015. Collection method: clinical testing. Allele origin: germline. Inheritance: X-linked dominant inheritance. Affected: yes.
Comment: The observed missense c.176G>T (p.Cys59Phe) variant in PHEX gene has not been reported previously as a pathogenic variant nor as a benign variant, to our knowledge. The p.Cys59Phe variant is absent in gnomAD Exomes. This variant has not been submitted to the ClinVar database. Multiple lines of computational evidence (Polyphen - Probably Damaging, SIFT - Damaging and MutationTaster - Disease causing) predict a damaging effect on protein structure and function for this variant. The reference amino acid of p.Cys59Phe in PHEX is predicted as conserved by GERP++ and PhyloP across 100 vertebrates. The amino acid Cys at position 59 is changed to a Phe changing protein sequence and it might alter its composition and physico-chemical properties. For these reasons, this variant has been classified as a Variant of Uncertain Significance (VUS).

NM_000444.6(PHEX):c.176G>T (p.Cys59Phe)

Gene: PHEX (phosphate regulating endopeptidase X-linked; plus strand). Cytogenetic location: Xp22.11.
Variant type: single nucleotide variant.
Coding change: c.176G>T on transcript NM_000444.6 (MANE Select); coding-DNA position 176, G replaced by T.
Protein change: p.Cys59Phe; replaces cysteine 59 with phenylalanine.
Molecular consequence: missense variant.
Genome position (GRCh38, 1-based): chrX:22,038,526, G>T. VCF-style: chrX-22038526-G-T. GRCh37 (hg19) VCF-style: chrX-22056644-G-T.
Other names: c.176G>T, p.Cys59Phe (NM_001282754.2); short protein forms C59F.
Identifiers: ClinVar variation 3367117 (VCV003367117.1).